The following is an entry in ClinVar:

ClinVar aggregate classification (germline): Benign/Likely benign. Review status: criteria provided, multiple submitters, no conflicts (2 of 4 stars). 4 submissions from 4 submitters: Benign (1); Likely benign (2). 1 of the submissions does not count toward it. Last evaluated 2025-10-14.

Conditions:
ARPC1B-related disorder. Also called: ARPC1B-related condition.

Allele frequency attached by ClinVar (database versions not stated): gnomAD exomes 0.00012 and 0.00027; gnomAD 0.00017; TOPMed 0.00017; ExAC 0.00025; ESP Exome Variant Server 0.00031.
gnomAD v4.1: 211 of 1,607,770 alleles (0.013%); highest among the groups gnomAD compares: South Asian, 0.0088%; 1 homozygote.

Submissions (4):

Mayo Clinic Laboratories, Mayo Clinic
Classification: Likely benign. Last evaluated: 2025-10-14. Review status: criteria provided, single submitter. Criteria: ACMG Guidelines, 2015. Collection method: clinical testing. Allele origin: germline. Observed: 1 variant allele.
Comment: BP4, BP7

Labcorp Genetics (formerly Invitae), Labcorp
Classification: Benign. Last evaluated: 2025-09-30. Review status: criteria provided, single submitter. Criteria: Invitae Variant Classification Sherloc (09022015). Collection method: clinical testing. Allele origin: germline.

Blueprint Genetics
Classification: Likely benign. Last evaluated: 2024-09-18. Review status: criteria provided, single submitter. Criteria: ACMG Guidelines, 2015. Collection method: clinical testing. Allele origin: germline.

PreventionGenetics, part of Exact Sciences
Classification: Likely benign for ARPC1B-related condition. Last evaluated: 2022-05-11. Review status: no assertion criteria provided. Collection method: clinical testing. Allele origin: germline. Not counted in ClinVar's aggregate classification.
Comment: This variant is classified as likely benign based on ACMG/AMP sequence variant interpretation guidelines (Richards et al. 2015 PMID: 25741868, with internal and published modifications).

NM_005720.4(ARPC1B):c.169+10G>A

Gene: ARPC1B (actin related protein 2/3 complex subunit 1B; plus strand). Cytogenetic location: 7q22.1.
Variant type: single nucleotide variant.
Coding change: c.169+10G>A on transcript NM_005720.4 (MANE Select); 10 bases into the intron after coding-DNA position 169, G replaced by A.
Molecular consequence: intron variant.
Genome position (GRCh38, 1-based): chr7:99,386,799, G>A. VCF-style: chr7-99386799-G-A. GRCh37 (hg19) VCF-style: chr7-98984422-G-A.
Other names: p.?; c.169+10G>A (NM_005720.3).
Identifiers: ClinVar variation 1644094 (VCV001644094.12), dbSNP rs372957592, ClinGen allele CA4363916.